The following is an entry in ClinVar:

ClinVar aggregate classification (germline): Uncertain significance. Review status: criteria provided, multiple submitters, no conflicts (2 of 4 stars). 2 submissions from 2 submitters: Uncertain significance (2). Last evaluated 2025-09-30.

Conditions:
Spinocerebellar ataxia type 28 (SCA28). Also called: Spinocerebellar Ataxia Type 28 (SCA28). Identifiers: Orphanet 101109, MedGen C1853249, MONDO:0012450, OMIM 610246.

gnomAD v4.1: 3 of 1,614,050 alleles (0.00019%); highest among the groups gnomAD compares: South Asian, 0.0011%; no homozygotes.

Submissions (2):

GeneDx
Classification: Uncertain significance. Last evaluated: 2025-09-30. Review status: criteria provided, single submitter. Criteria: GeneDx Variant Classification Process June 2021. Collection method: clinical testing. Allele origin: germline.
Comment: Not observed at significant frequency in large population cohorts (gnomAD); In silico analysis supports that this missense variant has a deleterious effect on protein structure/function; Has not been previously published as pathogenic or benign to our knowledge

MGZ Medical Genetics Center
Classification: Uncertain significance for Spinocerebellar ataxia type 28. Last evaluated: 2022-05-10. Review status: criteria provided, single submitter. Criteria: ACMG Guidelines, 2015. Collection method: clinical testing. Allele origin: germline. Affected: yes. Observed: 1 variant allele.
Comment: ACMG criteria applied: PM2_SUP

NM_006796.3(AFG3L2):c.1616C>G (p.Ser539Cys)

Gene: AFG3L2 (AFG3 like matrix AAA peptidase subunit 2; minus strand). Cytogenetic location: 18p11.21.
Variant type: single nucleotide variant.
Coding change: c.1616C>G on transcript NM_006796.3 (MANE Select); coding-DNA position 1616, C replaced by G.
Protein change: p.Ser539Cys; replaces serine 539 with cysteine.
Molecular consequence: missense variant.
Genome position (GRCh38, 1-based): chr18:12,348,320, G>C on the plus strand (C>G on the coding strand, the complement: AFG3L2 is on the minus strand). VCF-style: chr18-12348320-G-C. GRCh37 (hg19) VCF-style: chr18-12348319-G-C.
Other names: short protein forms S539C.
Identifiers: ClinVar variation 1709438 (VCV001709438.4), dbSNP rs756205069, ClinGen allele CA401951351.